The following is an entry in ClinVar:

ClinVar aggregate classification (germline): Conflicting classifications of pathogenicity. Review status: criteria provided, conflicting classifications (1 of 4 stars). 13 submissions from 13 submitters: Uncertain significance (3); Benign (2); Likely benign (3). 5 of the submissions do not count toward it. Last evaluated 2026-01-26.

Conditions:
LRPPRC-related disorder. Also called: LRPPRC-related condition.
Congenital lactic acidosis, Saguenay-Lac-Saint-Jean type (MC4DN5). Also called: MITOCHONDRIAL COMPLEX IV DEFICIENCY, NUCLEAR TYPE 5; CYTOCHROME c OXIDASE DEFICIENCY, FRENCH CANADIAN TYPE; COX DEFICIENCY, FRENCH CANADIAN TYPE. Identifiers: Orphanet 70472, MedGen C1857355, MONDO:0009069, OMIM 220111.

Allele frequency attached by ClinVar (database versions not stated): ExAC 0.00020; 1000 Genomes Project 0.00080; gnomAD exomes 0.00103 and 0.00222; TOPMed 0.00125; gnomAD 0.00129 and 0.00132; 1000 Genomes Project 30x 0.00203.

Submissions (13):

Labcorp Genetics (formerly Invitae), Labcorp
Classification: Likely benign. Last evaluated: 2026-01-26. Review status: criteria provided, single submitter. Criteria: Invitae Variant Classification Sherloc (09022015). Collection method: clinical testing. Allele origin: germline.

CeGaT Center for Human Genetics Tuebingen
Classification: Likely benign. Last evaluated: 2025-09-01. Review status: criteria provided, single submitter. Criteria: CeGaT Center For Human Genetics Tuebingen Variant Classification Criteria Version 2. Collection method: clinical testing. Allele origin: germline. Affected: yes. Observed: 1 variant allele.
Comment: LRPPRC: BS2

Blueprint Genetics
Classification: Likely benign. Last evaluated: 2024-09-19. Review status: criteria provided, single submitter. Criteria: ACMG Guidelines, 2015. Collection method: clinical testing. Allele origin: germline.

ARUP Laboratories, Molecular Genetics and Genomics, ARUP Laboratories
Classification: Uncertain significance for Congenital lactic acidosis, Saguenay-Lac-Saint-Jean type. Last evaluated: 2023-09-18. Review status: criteria provided, single submitter. Criteria: ARUP Molecular Germline Variant Investigation Process 2024. Collection method: clinical testing. Allele origin: germline.

Centre for Mendelian Genomics, University Medical Centre Ljubljana
Classification: Benign for Congenital lactic acidosis, Saguenay-Lac-Saint-Jean type. Last evaluated: 2018-10-31. Review status: criteria provided, single submitter. Criteria: ACMG Guidelines, 2015. Collection method: clinical testing. Allele origin: unknown. Affected: yes.
Comment: This variant was classified as: Benign. The following ACMG criteria were applied in classifying this variant: BS1,BS2.

Illumina Laboratory Services, Illumina
Classification: Uncertain significance for Congenital lactic acidosis, Saguenay-Lac-Saint-Jean type. Last evaluated: 2018-01-13. Review status: criteria provided, single submitter. Criteria: ICSL Variant Classification Criteria 13 December 2019. Collection method: clinical testing. Allele origin: germline.

Eurofins Ntd Llc (ga)
Classification: Uncertain significance. Last evaluated: 2017-09-15. Review status: criteria provided, single submitter. Criteria: EGL Classification Definitions 2015. Collection method: clinical testing. Allele origin: germline. Observed: 2 variant alleles, 2 heterozygotes.

GeneDx
Classification: Benign. Last evaluated: 2012-05-03. Review status: criteria provided, single submitter. Criteria: GeneDx Variant Classification (06012015). Collection method: clinical testing. Allele origin: germline. Affected: yes.
Comment: This variant is considered likely benign or benign based on one or more of the following criteria: it is a conservative change, it occurs at a poorly conserved position in the protein, it is predicted to be benign by multiple in silico algorithms, and/or has population frequency not consistent with disease.

Natera, Inc.
Classification: Likely benign for French-Canadian type Leigh syndrome. Last evaluated: 2020-06-04. Review status: no assertion criteria provided. Collection method: clinical testing. Allele origin: germline. Not counted in ClinVar's aggregate classification.

PreventionGenetics, part of Exact Sciences
Classification: Benign for LRPPRC-related condition. Last evaluated: 2019-10-15. Review status: no assertion criteria provided. Collection method: clinical testing. Allele origin: germline. Not counted in ClinVar's aggregate classification.
Comment: This variant is classified as benign based on ACMG/AMP sequence variant interpretation guidelines (Richards et al. 2015 PMID: 25741868, with internal and published modifications).

Mayo Clinic Laboratories, Mayo Clinic
Classification: Uncertain significance. Last evaluated: 2016-03-14. Review status: no assertion criteria provided. Collection method: clinical testing. Allele origin: unknown. Not counted in ClinVar's aggregate classification.

Clinical Genetics DNA and cytogenetics Diagnostics Lab, Erasmus MC, Erasmus Medical Center
Classification: Likely benign. Review status: no assertion criteria provided. Collection method: clinical testing. Allele origin: germline. Affected: yes. Study: VKGL Data-share Consensus. Not counted in ClinVar's aggregate classification.

Laboratory of Diagnostic Genome Analysis, Leiden University Medical Center (LUMC)
Classification: Likely benign. Review status: no assertion criteria provided. Collection method: clinical testing. Allele origin: germline. Affected: yes. Study: VKGL Data-share Consensus. Not counted in ClinVar's aggregate classification.

NM_133259.4(LRPPRC):c.64C>G (p.Leu22Val)

Gene: LRPPRC (leucine rich pentatricopeptide repeat containing; minus strand). Cytogenetic location: 2p21.
Variant type: single nucleotide variant.
Coding change: c.64C>G on transcript NM_133259.4 (MANE Select); coding-DNA position 64, C replaced by G.
Protein change: p.Leu22Val; replaces leucine 22 with valine.
Molecular consequence: missense variant.
Genome position (GRCh38, 1-based): chr2:43,995,884, G>C on the plus strand (C>G on the coding strand, the complement: LRPPRC is on the minus strand). VCF-style: chr2-43995884-G-C. GRCh37 (hg19) VCF-style: chr2-44223023-G-C.
Other names: p.L22V:CTC>GTC; short protein forms L22V.
Identifiers: ClinVar variation 138150 (VCV000138150.47), dbSNP rs181626399, ClinGen allele CA291983.